The following is an entry in ClinVar:

ClinVar aggregate classification (germline): Uncertain significance (1 of 4 stars; one submission).

Conditions:
Spondylocostal dysostosis 3, autosomal recessive (SCDO3). Also called: LFNG-Related Spondylocostal Dysostosis, Autosomal Recessive. Identifiers: Orphanet 2311, MedGen C1853296, MONDO:0012349, OMIM 609813.

Allele frequency attached by ClinVar (database versions not stated): gnomAD exomes 0.00001 and 0.00003; ExAC 0.00004.
gnomAD v4.1: 7 of 1,612,966 alleles (0.00043%); highest among the groups gnomAD compares: Admixed American, 0.01%; no homozygotes.

Submission:

Labcorp Genetics (formerly Invitae), Labcorp
Classification: Uncertain significance for Spondylocostal dysostosis 3, autosomal recessive. Last evaluated: 2021-08-27. Review status: criteria provided, single submitter. Criteria: Invitae Variant Classification Sherloc (09022015). Collection method: clinical testing. Allele origin: germline.
Comment: This sequence change replaces aspartic acid with glycine at codon 186 of the LFNG protein (p.Asp186Gly). The aspartic acid residue is highly conserved and there is a moderate physicochemical difference between aspartic acid and glycine. This variant is present in population databases (rs753021502, ExAC 0.04%). This variant has not been reported in the literature in individuals affected with LFNG-related conditions. Algorithms developed to predict the effect of missense changes on protein structure and function are either unavailable or do not agree on the potential impact of this missense change (SIFT: "Deleterious"; PolyPhen-2: "Possibly Damaging"; Align-GVGD: "Class C0"). In summary, the available evidence is currently insufficient to determine the role of this variant in disease. Therefore, it has been classified as a Variant of Uncertain Significance.

NM_001040167.2(LFNG):c.557A>G (p.Asp186Gly)

Gene: LFNG (LFNG O-fucosylpeptide 3-beta-N-acetylglucosaminyltransferase; plus strand). Cytogenetic location: 7p22.3.
Variant type: single nucleotide variant.
Coding change: c.557A>G on transcript NM_001040167.2 (MANE Select); coding-DNA position 557, A replaced by G.
Protein change: p.Asp186Gly; replaces aspartic acid 186 with glycine.
Molecular consequence: missense variant.
Genome position (GRCh38, 1-based): chr7:2,525,294, A>G. VCF-style: chr7-2525294-A-G. GRCh37 (hg19) VCF-style: chr7-2564928-A-G.
Other names: c.557A>G, p.Asp186Gly (NM_001040168.2); c.344A>G, p.Asp115Gly (NM_001166355.2); c.170A>G, p.Asp57Gly (NM_002304.3); short protein forms D186G, D57G, D115G.
Identifiers: ClinVar variation 1035758 (VCV001035758.6), dbSNP rs753021502, ClinGen allele CA4126999.